The following is an entry in ClinVar:

NM_001044385.3(TMEM237):c.890C>G (p.Ser297Ter)

Gene: TMEM237 (transmembrane protein 237; minus strand). Cytogenetic location: 2q33.1.
Variant type: single nucleotide variant.
Coding change: c.890C>G on transcript NM_001044385.3 (MANE Select); coding-DNA position 890, C replaced by G.
Protein change: p.Ser297Ter; replaces serine 297 with a stop codon.
Molecular consequence: nonsense.
Genome position (GRCh38, 1-based): chr2:201,628,129, G>C on the plus strand (C>G on the coding strand, the complement: TMEM237 is on the minus strand). VCF-style: chr2-201628129-G-C. GRCh37 (hg19) VCF-style: chr2-202492852-G-C.
Other names: c.866C>G, p.Ser289Ter (NM_152388.4); short protein forms S289*, S297*.
Identifiers: ClinVar variation 1075598 (VCV001075598.7), dbSNP rs768528861, ClinGen allele CA2056361.

ClinVar aggregate classification (germline): Pathogenic (1 of 4 stars; one submission).

Conditions:
Joubert syndrome 14 (JBTS14). Identifiers: MedGen C3280766, MONDO:0013745, OMIM 614424.

gnomAD v4.1: 7 of 1,605,822 alleles (0.00044%); highest among the groups gnomAD compares: Non-Finnish European, 0.0006%; no homozygotes.

Submission:

Labcorp Genetics (formerly Invitae), Labcorp
Classification: Pathogenic for Joubert syndrome 14. Last evaluated: 2025-12-06. Review status: criteria provided, single submitter. Criteria: Invitae Variant Classification Sherloc (09022015). Collection method: clinical testing. Allele origin: germline.
Comment: This sequence change creates a premature translational stop signal (p.Ser297*) in the TMEM237 gene. It is expected to result in an absent or disrupted protein product. Loss-of-function variants in TMEM237 are known to be pathogenic (PMID: 22152675). The frequency data for this variant in the population databases is considered unreliable, as metrics indicate poor data quality at this position in the gnomAD database. This variant has not been reported in the literature in individuals affected with TMEM237-related conditions. ClinVar contains an entry for this variant (Variation ID: 1075598). For these reasons, this variant has been classified as Pathogenic.

Literature cited by the submitters: PubMed 22152675.